The following is an entry in ClinVar:

NM_001270508.2(TNFAIP3):c.2156C>A (p.Ala719Asp)

Gene: TNFAIP3 (TNF alpha induced protein 3; plus strand). Cytogenetic location: 6q23.3.
Variant type: single nucleotide variant.
Coding change: c.2156C>A on transcript NM_001270508.2 (MANE Select); coding-DNA position 2156, C replaced by A.
Protein change: p.Ala719Asp; replaces alanine 719 with aspartic acid.
Molecular consequence: missense variant.
Genome position (GRCh38, 1-based): chr6:137,881,102, C>A. VCF-style: chr6-137881102-C-A. GRCh37 (hg19) VCF-style: chr6-138202239-C-A.
Other names: c.2156C>A, p.Ala719Asp (NM_001270507.2, NM_006290.4); short protein forms A719D.
Identifiers: ClinVar variation 2985021 (VCV002985021.3), dbSNP rs2114515975, ClinGen allele CA365797462.

ClinVar aggregate classification (germline): Uncertain significance (1 of 4 stars; one submission).

Submission:

Labcorp Genetics (formerly Invitae), Labcorp
Classification: Uncertain significance. Last evaluated: 2024-05-21. Review status: criteria provided, single submitter. Criteria: Invitae Variant Classification Sherloc (09022015). Collection method: clinical testing. Allele origin: germline.
Comment: This sequence change replaces alanine, which is neutral and non-polar, with aspartic acid, which is acidic and polar, at codon 719 of the TNFAIP3 protein (p.Ala719Asp). This variant is not present in population databases (gnomAD no frequency). This variant has not been reported in the literature in individuals affected with TNFAIP3-related conditions. An algorithm developed to predict the effect of missense changes on protein structure and function (PolyPhen-2) suggests that this variant is likely to be disruptive. In summary, the available evidence is currently insufficient to determine the role of this variant in disease. Therefore, it has been classified as a Variant of Uncertain Significance.